The following is an entry in ClinVar:

NM_016013.4(NDUFAF1):c.92G>T (p.Arg31Leu)

Gene: NDUFAF1 (NADH:ubiquinone oxidoreductase complex assembly factor 1; minus strand). Cytogenetic location: 15q15.1.
Variant type: single nucleotide variant.
Coding change: c.92G>T on transcript NM_016013.4 (MANE Select); coding-DNA position 92, G replaced by T.
Protein change: p.Arg31Leu; replaces arginine 31 with leucine.
Molecular consequence: missense variant. On other transcripts: non-coding transcript variant (1).
Genome position (GRCh38, 1-based): chr15:41,396,968, C>A on the plus strand (G>T on the coding strand, the complement: NDUFAF1 is on the minus strand). VCF-style: chr15-41396968-C-A. GRCh37 (hg19) VCF-style: chr15-41689166-C-A.
Other names: short protein forms R31L.
Identifiers: ClinVar variation 129689 (VCV000129689.26), dbSNP rs3204853, ClinGen allele CA153849.
Genomic context (GRCh38, chr15:41,396,968, plus strand): 5'-GAGGAGGCTTTGCCAGGAGAAGCCACTGGTTTCTGAAGACTACTGGAATACTCTGCAAAG[C>A]GAATACCCAAAAATGGATACAAGGCAGAAGTTGGCTTAGAGAATTTTCTGAGAAAATAAG-3'
Protein context (NP_057097.2, residues 21-41): TSALYPFLGI[Arg31Leu]FAEYSSSLQK

ClinVar aggregate classification (germline): Benign. Review status: criteria provided, multiple submitters, no conflicts (2 of 4 stars). 7 submissions from 7 submitters: Benign (5). 2 of the submissions do not count toward it. Last evaluated 2026-02-03.

Conditions:
Mitochondrial complex I deficiency, nuclear type 1. Also called: NADH-COENZYME Q REDUCTASE DEFICIENCY; MITOCHONDRIAL NADH DEHYDROGENASE COMPONENT OF COMPLEX I, DEFICIENCY OF. Identifiers: MedGen C6022305, MONDO:0100224, OMIM 252010.
Mitochondrial complex I deficiency, nuclear type 11. Also called: Mitochondrial complex 1 deficiency, nuclear type 11. Identifiers: MedGen C4748769, MONDO:0032617, OMIM 618234.

Allele frequency attached by ClinVar (database versions not stated): 1000 Genomes Project 30x 0.11259; 1000 Genomes Project 0.11601; TOPMed 0.17080; ESP Exome Variant Server 0.18956.
gnomAD v4.1: 375,750 of 1,611,294 alleles (23%); highest among the groups gnomAD compares: Non-Finnish European, 26%; 47,545 homozygotes.

Submissions (13):

Labcorp Genetics (formerly Invitae), Labcorp
Classification: Benign. Last evaluated: 2026-02-03. Review status: criteria provided, single submitter. Criteria: Invitae Variant Classification Sherloc (09022015). Collection method: clinical testing. Allele origin: germline.

Genome-Nilou Lab
Classification: Benign for Mitochondrial complex I deficiency, nuclear type 11. Last evaluated: 2021-09-05. Review status: criteria provided, single submitter. Criteria: ACMG Guidelines, 2015. Collection method: clinical testing. Allele origin: germline. Affected: no.

Illumina Laboratory Services, Illumina
Classification: Benign for Mitochondrial complex I deficiency, nuclear type 1. Last evaluated: 2018-01-13. Review status: criteria provided, single submitter. Criteria: ICSL Variant Classification Criteria 13 December 2019. Collection method: clinical testing. Allele origin: germline.
Comment: This variant was observed in the ICSL laboratory as part of a predisposition screen in an ostensibly healthy population. It had not been previously curated by ICSL or reported in the Human Gene Mutation Database (HGMD: prior to June 1st, 2018), and was therefore a candidate for classification through an automated scoring system. Utilizing variant allele frequency, disease prevalence and penetrance estimates, and inheritance mode, an automated score was calculated to assess if this variant is too frequent to cause the disease. Based on the score and internal cut-off values, a variant classified as benign is not then subjected to further curation. The score for this variant resulted in a classification of benign for this disease.

GeneDx
Classification: Benign. Last evaluated: 2015-03-03. Review status: criteria provided, single submitter. Criteria: GeneDx Variant Classification Process June 2021. Collection method: clinical testing. Allele origin: germline. Affected: yes.

Breakthrough Genomics
Classification: Benign. Review status: criteria provided, single submitter. Criteria: ACMG Guidelines, 2015. Collection method: not provided. Allele origin: germline. Inheritance: Autosomal recessive inheritance. Affected: yes.

Mayo Clinic Laboratories, Mayo Clinic
Classification: Benign. Last evaluated: 2016-02-19. Review status: no assertion criteria provided. Collection method: clinical testing. Allele origin: unknown. Not counted in ClinVar's aggregate classification.

Dr. Peter K. Rogan Lab, Western University
No classification provided (evidence only). Condition: Malignant lymphoma, large B-cell, diffuse. Review status: no classification provided. Collection method: in vitro. Allele origin: not applicable. Functional consequence: retained intron. Not counted in ClinVar's aggregate classification.

Dr. Peter K. Rogan Lab, Western University
No classification provided (evidence only). Condition: Uterine carcinosarcoma. Review status: no classification provided. Collection method: in vitro. Allele origin: not applicable. Functional consequence: retained intron. Not counted in ClinVar's aggregate classification.

Dr. Peter K. Rogan Lab, Western University
No classification provided (evidence only). Condition: Uterine carcinosarcoma. Review status: no classification provided. Collection method: in vitro. Allele origin: not applicable. Functional consequence: retained intron. Not counted in ClinVar's aggregate classification.

Dr. Peter K. Rogan Lab, Western University
No classification provided (evidence only). Condition: Uterine carcinosarcoma. Review status: no classification provided. Collection method: in vitro. Allele origin: not applicable. Functional consequence: retained intron. Not counted in ClinVar's aggregate classification.

Dr. Peter K. Rogan Lab, Western University
No classification provided (evidence only). Condition: Uterine carcinosarcoma. Review status: no classification provided. Collection method: in vitro. Allele origin: not applicable. Functional consequence: retained intron. Not counted in ClinVar's aggregate classification.

Dr. Peter K. Rogan Lab, Western University
No classification provided (evidence only). Condition: Uterine carcinosarcoma. Review status: no classification provided. Collection method: in vitro. Allele origin: not applicable. Functional consequence: retained intron. Not counted in ClinVar's aggregate classification.

Genetic Services Laboratory, University of Chicago
Classification: Likely benign for AllHighlyPenetrant. Review status: no assertion criteria provided. Collection method: clinical testing. Allele origin: germline. Inheritance: Autosomal recessive inheritance. Not counted in ClinVar's aggregate classification.
Comment: Likely benign based on allele frequency in 1000 Genomes Project or ESP global frequency and its presence in a patient with a rare or unrelated disease phenotype. NOT Sanger confirmed.